The following is an entry in ClinVar:

ClinVar aggregate classification (germline): Uncertain significance (1 of 4 stars; one submission).

Conditions:
Familial adenomatous polyposis 1 (FAP1). Also called: FAMILIAL ADENOMATOUS POLYPOSIS 1, ATTENUATED; POLYPOSIS, ADENOMATOUS INTESTINAL. Identifiers: MedGen C2713442, MONDO:0021056, OMIM 175100. Disease mechanism: loss of function.

gnomAD v4.1: 7 of 1,614,210 alleles (0.00043%); highest among the groups gnomAD compares: Non-Finnish European, 0.00051%; no homozygotes.

Submission:

Labcorp Genetics (formerly Invitae), Labcorp
Classification: Uncertain significance for Familial adenomatous polyposis 1. Last evaluated: 2025-10-29. Review status: criteria provided, single submitter. Criteria: Invitae Variant Classification Sherloc (09022015). Collection method: clinical testing. Allele origin: germline.
Comment: This sequence change replaces asparagine, which is neutral and polar, with lysine, which is basic and polar, at codon 961 of the APC protein (p.Asn961Lys). This variant is not present in population databases (gnomAD no frequency). This variant has not been reported in the literature in individuals affected with APC-related conditions. ClinVar contains an entry for this variant (Variation ID: 411549). Invitae Evidence Modeling of protein sequence and biophysical properties (such as structural, functional, and spatial information, amino acid conservation, physicochemical variation, residue mobility, and thermodynamic stability) indicates that this missense variant is not expected to disrupt APC protein function with a negative predictive value of 95%. In summary, the available evidence is currently insufficient to determine the role of this variant in disease. Therefore, it has been classified as a Variant of Uncertain Significance.

NM_000038.6(APC):c.2883T>G (p.Asn961Lys)

Gene: APC (APC regulator of Wnt signaling pathway; plus strand). Cytogenetic location: 5q22.2.
Variant type: single nucleotide variant.
Coding change: c.2883T>G on transcript NM_000038.6 (MANE Select); coding-DNA position 2883, T replaced by G.
Protein change: p.Asn961Lys; replaces asparagine 961 with lysine.
Molecular consequence: missense variant.
Genome position (GRCh38, 1-based): chr5:112,838,477, T>G. VCF-style: chr5-112838477-T-G. GRCh37 (hg19) VCF-style: chr5-112174174-T-G.
Other names: c.2883T>G, p.Asn961Lys (NM_001127510.3, NM_001354895.2); c.2829T>G, p.Asn943Lys (NM_001127511.3); c.2937T>G, p.Asn979Lys (NM_001354896.2); c.2913T>G, p.Asn971Lys (NM_001354897.2); c.2808T>G, p.Asn936Lys (NM_001354898.2); c.2799T>G, p.Asn933Lys (NM_001354899.2); c.2760T>G, p.Asn920Lys (NM_001354900.2); c.2706T>G, p.Asn902Lys (NM_001354901.2); and 5 more; short protein forms N961K, N943K, N835K, N920K, N933K, N971K, N979K, N678K.
Identifiers: ClinVar variation 411549 (VCV000411549.11), dbSNP rs1060503367, ClinGen allele CA16027621.